The following is an entry in ClinVar:

ClinVar aggregate classification (germline): Likely benign. Review status: criteria provided, multiple submitters, no conflicts (2 of 4 stars). 3 submissions from 3 submitters: Likely benign (3). Last evaluated 2026-05-01.

Allele frequency attached by ClinVar (database versions not stated): ExAC 0.00017; TOPMed 0.00018; gnomAD 0.00025; gnomAD exomes 0.00028; ESP Exome Variant Server 0.00038.
gnomAD v4.1: 448 of 1,614,102 alleles (0.028%); highest among the groups gnomAD compares: Non-Finnish European, 0.034%; no homozygotes.

Submissions (3):

CeGaT Center for Human Genetics Tuebingen
Classification: Likely benign. Last evaluated: 2026-05-01. Review status: criteria provided, single submitter. Criteria: CeGaT Center For Human Genetics Tuebingen Variant Classification Criteria Version 2. Collection method: clinical testing. Allele origin: germline. Affected: yes. Observed: 2 variant alleles.
Comment: FAT2: BP4, BP7

Blueprint Genetics
Classification: Likely benign. Last evaluated: 2024-11-19. Review status: criteria provided, single submitter. Criteria: ACMG Guidelines, 2015. Collection method: clinical testing. Allele origin: germline.

Labcorp Genetics (formerly Invitae), Labcorp
Classification: Likely benign. Last evaluated: 2024-01-04. Review status: criteria provided, single submitter. Criteria: Invitae Variant Classification Sherloc (09022015). Collection method: clinical testing. Allele origin: germline.

NM_001447.3(FAT2):c.1710A>G (p.Thr570=)

Gene: FAT2 (FAT atypical cadherin 2; minus strand). Cytogenetic location: 5q33.1.
Variant type: single nucleotide variant.
Coding change: c.1710A>G on transcript NM_001447.3 (MANE Select); coding-DNA position 1710, A replaced by G.
Protein change: p.Thr570=; no amino-acid change (threonine 570 retained).
Molecular consequence: synonymous variant.
Genome position (GRCh38, 1-based): chr5:151,567,222, T>C on the plus strand (A>G on the coding strand, the complement: FAT2 is on the minus strand). VCF-style: chr5-151567222-T-C. GRCh37 (hg19) VCF-style: chr5-150946783-T-C.
Identifiers: ClinVar variation 2763318 (VCV002763318.8), dbSNP rs143644627, ClinGen allele CA3522206.